The following is an entry in ClinVar:

NM_000291.4(PGK1):c.469C>A (p.Leu157Ile)

Gene: PGK1 (phosphoglycerate kinase 1; plus strand). Cytogenetic location: Xq21.1.
Variant type: single nucleotide variant.
Coding change: c.469C>A on transcript NM_000291.4 (MANE Select); coding-DNA position 469, C replaced by A.
Protein change: p.Leu157Ile; replaces leucine 157 with isoleucine.
Molecular consequence: missense variant.
Genome position (GRCh38, 1-based): chrX:78,117,363, C>A. VCF-style: chrX-78117363-C-A. GRCh37 (hg19) VCF-style: chrX-77372860-C-A.
Other names: short protein forms L157I.
Identifiers: ClinVar variation 2627609 (VCV002627609.4), dbSNP rs1557247558, ClinGen allele CA413721142.

ClinVar aggregate classification (germline): Uncertain significance (1 of 4 stars; one submission).

Conditions:
Glycogen storage disease due to phosphoglycerate kinase 1 deficiency. Also called: PHOSPHOGLYCERATE KINASE 1 DEFICIENCY WITH LEVO-DOPA-RESPONSIVE PARKINSONISM; PGK1 DEFICIENCY. Identifiers: Orphanet 713, MedGen C1970848, MONDO:0010392, OMIM 300653.

Allele frequency attached by ClinVar (database versions not stated): gnomAD exomes below 0.00001.

Submission:

Institute of Human Genetics, University of Leipzig Medical Center
Classification: Uncertain significance for Glycogen storage disease due to phosphoglycerate kinase 1 deficiency. Last evaluated: 2025-03-04. Review status: criteria provided, single submitter. Criteria: ACMG Guidelines, 2015. Collection method: clinical testing. Allele origin: maternal. Inheritance: X-linked recessive inheritance. Affected: yes.
Comment: Criteria applied: PM2_SUP,PP3,BS3_SUP